The following is an entry in ClinVar:

NM_001082538.3(TCTN1):c.26_29dup (p.Val11fs)

Gene: TCTN1 (tectonic family member 1; plus strand). Cytogenetic location: 12q24.11.
Variant type: Duplication.
Coding change: c.26_29dup on transcript NM_001082538.3 (MANE Select); coding-DNA positions 26 to 29, 4 bases duplicated (TCCT; older notation c.26_29dupTCCT).
Protein change: p.Val11fs; shifts the reading frame from valine 11.
Molecular consequence: frameshift variant. On other transcripts: 5 prime UTR variant (4), non-coding transcript variant (1).
Genome position (GRCh38, 1-based): chr12:110,614,208-110,614,211, TCCT duplicated. VCF-style (leftmost placement, unchanged base first): chr12-110614207-C-CTCCT. GRCh37 (hg19) VCF-style: chr12-111052012-C-CTCCT.
Other names: c.26_29dup, p.Val11fs (NM_001319680.2, NM_024549.6, NM_001082537.3); c.-682_-679dup (NM_001319681.2); c.-204_-201dup (NM_001319682.3, NM_001173975.3); c.-231_-228dup (NM_001173976.2); short protein forms V11fs.
Identifiers: ClinVar variation 1033279 (VCV001033279.2), dbSNP rs1275375836, ClinGen allele CA607318065.

ClinVar aggregate classification (germline): Pathogenic. Review status: criteria provided, multiple submitters, no conflicts (2 of 4 stars). 2 submissions from 2 submitters: Pathogenic (2). Last evaluated 2026-02-01.

Conditions:
Joubert syndrome. Also called: Familial aplasia of the vermis; CEREBELLOPARENCHYMAL DISORDER IV; JOUBERT-BOLTSHAUSER SYNDROME. Identifiers: Orphanet 475, MedGen C5979921, MONDO:0018772.
Meckel-Gruber syndrome. Also called: Dysencephalia splachnocystica; DYSENCEPHALIA SPLANCHNOCYSTICA; GRUBER SYNDROME. Identifiers: Orphanet 564, MedGen C0265215, MONDO:0018921.
Joubert syndrome 13 (JBTS13). Identifiers: Orphanet 475, MedGen C3280031, MONDO:0013608, OMIM 614173.

Allele frequency attached by ClinVar (database versions not stated): gnomAD exomes 0.00001.

Submissions (2):

Labcorp Genetics (formerly Invitae), Labcorp
Classification: Pathogenic for Joubert syndrome; Meckel-Gruber syndrome. Last evaluated: 2026-02-01. Review status: criteria provided, single submitter. Criteria: Invitae Variant Classification Sherloc (09022015). Collection method: clinical testing. Allele origin: germline.
Comment: This sequence change creates a premature translational stop signal (p.Val11Profs*72) in the TCTN1 gene. It is expected to result in an absent or disrupted protein product. Loss-of-function variants in TCTN1 are known to be pathogenic (PMID: 21725307, 22693042, 27894351). This variant is present in population databases (no rsID available, gnomAD 0.004%). This variant has not been reported in the literature in individuals affected with TCTN1-related conditions. ClinVar contains an entry for this variant (Variation ID: 1033279). For these reasons, this variant has been classified as Pathogenic.

Baylor Genetics
Classification: Pathogenic for Joubert syndrome 13. Last evaluated: 2018-02-01. Review status: criteria provided, single submitter. Criteria: ACMG Guidelines, 2015. Collection method: clinical testing. Allele origin: paternal. Affected: yes.
Comment: This variant was determined to be pathogenic according to ACMG Guidelines, 2015 [PMID:25741868].

Literature cited by the submitters: PubMed 21725307 (cited by Labcorp Genetics (formerly Invitae), Labcorp); PubMed 22693042 (cited by Labcorp Genetics (formerly Invitae), Labcorp); PubMed 27894351 (cited by Labcorp Genetics (formerly Invitae), Labcorp).